The following is an entry in ClinVar:

ClinVar aggregate classification (germline): Uncertain significance (1 of 4 stars; one submission).

Submission:

GeneDx
Classification: Uncertain significance. Last evaluated: 2025-03-10. Review status: criteria provided, single submitter. Criteria: GeneDx Variant Classification Process June 2021. Collection method: clinical testing. Allele origin: germline. Affected: yes.
Comment: Not observed at significant frequency in large population cohorts (gnomAD); In silico analysis supports that this missense variant has a deleterious effect on protein structure/function; Has not been previously published as pathogenic or benign to our knowledge

NM_001020658.2(PUM1):c.1636G>T (p.Gly546Cys)

Gene: PUM1 (pumilio RNA binding family member 1; minus strand). Cytogenetic location: 1p35.2.
Variant type: single nucleotide variant.
Coding change: c.1636G>T on transcript NM_001020658.2 (MANE Select); coding-DNA position 1636, G replaced by T.
Protein change: p.Gly546Cys; replaces glycine 546 with cysteine.
Molecular consequence: missense variant.
Genome position (GRCh38, 1-based): chr1:30,968,363, C>A on the plus strand (G>T on the coding strand, the complement: PUM1 is on the minus strand). VCF-style: chr1-30968363-C-A. GRCh37 (hg19) VCF-style: chr1-31441210-C-A.
Other names: c.1636G>T, p.Gly546Cys (NM_014676.3); short protein forms G546C.
Identifiers: ClinVar variation 4082844 (VCV004082844.1).